The following is an entry in ClinVar:

NM_001366385.1(CARD14):c.1617C>A (p.Ser539Arg)

Gene: CARD14 (caspase recruitment domain family member 14; plus strand). Cytogenetic location: 17q25.3.
Variant type: single nucleotide variant.
Coding change: c.1617C>A on transcript NM_001366385.1 (MANE Select); coding-DNA position 1617, C replaced by A.
Protein change: p.Ser539Arg; replaces serine 539 with arginine.
Molecular consequence: missense variant. On other transcripts: non-coding transcript variant (1).
Genome position (GRCh38, 1-based): chr17:80,198,121, C>A. VCF-style: chr17-80198121-C-A. GRCh37 (hg19) VCF-style: chr17-78171920-C-A.
Other names: c.1617C>A, p.Ser539Arg (NM_024110.4, NM_001257970.1); c.906C>A, p.Ser302Arg (NM_052819.3); short protein forms S302R, S539R.
Identifiers: ClinVar variation 808330 (VCV000808330.50), dbSNP rs1598673588, ClinGen allele CA401350616.

ClinVar aggregate classification (germline): Uncertain significance. Review status: criteria provided, multiple submitters, no conflicts (2 of 4 stars). 2 submissions from 2 submitters: Uncertain significance (2). Last evaluated 2025-12-22.

Conditions:
Pityriasis rubra pilaris (PRP). Also called: Pityriasis rubra pilaris--familial type. Identifiers: Orphanet 2897, MedGen C0032027, MONDO:0100017, OMIM 173200, MONDO:0008251.
Psoriasis 2. Identifiers: MedGen C1864497, MONDO:0011269, OMIM 602723.

Allele frequency attached by ClinVar (database versions not stated): gnomAD exomes below 0.00001.
gnomAD v4.1: 4 of 1,613,672 alleles (0.00025%); highest among the groups gnomAD compares: African/African-American, 0.0013%; no homozygotes.

Submissions (2):

Labcorp Genetics (formerly Invitae), Labcorp
Classification: Uncertain significance for Pityriasis rubra pilaris; Psoriasis 2. Last evaluated: 2025-12-22. Review status: criteria provided, single submitter. Criteria: Invitae Variant Classification Sherloc (09022015). Collection method: clinical testing. Allele origin: germline.
Comment: This sequence change replaces serine, which is neutral and polar, with arginine, which is basic and polar, at codon 539 of the CARD14 protein (p.Ser539Arg). This variant is not present in population databases (gnomAD no frequency). This variant has not been reported in the literature in individuals affected with CARD14-related conditions. ClinVar contains an entry for this variant (Variation ID: 808330). Invitae Evidence Modeling of protein sequence and biophysical properties (such as structural, functional, and spatial information, amino acid conservation, physicochemical variation, residue mobility, and thermodynamic stability) indicates that this missense variant is not expected to disrupt CARD14 protein function with a negative predictive value of 95%. In summary, the available evidence is currently insufficient to determine the role of this variant in disease. Therefore, it has been classified as a Variant of Uncertain Significance.

CeGaT Center for Human Genetics Tuebingen
Classification: Uncertain significance. Last evaluated: 2016-09-01. Review status: criteria provided, single submitter. Criteria: CeGaT Center For Human Genetics Tuebingen Variant Classification Criteria Version 2. Collection method: clinical testing. Allele origin: germline. Affected: yes. Observed: 1 variant allele.